The following is an entry in ClinVar:

ClinVar aggregate classification (germline): Uncertain significance. Review status: criteria provided, multiple submitters, no conflicts (2 of 4 stars). 2 submissions from 2 submitters: Uncertain significance (2). Last evaluated 2024-06-04.

gnomAD v4.1: 1 of 1,600,522 alleles (0.000062%); highest among the groups gnomAD compares: Admixed American, 0.0017%; no homozygotes.

Submissions (2):

GeneDx
Classification: Uncertain significance. Last evaluated: 2024-06-04. Review status: criteria provided, single submitter. Criteria: GeneDx Variant Classification Process June 2021. Collection method: clinical testing. Allele origin: germline. Affected: yes.
Comment: Not observed at significant frequency in large population cohorts (gnomAD); In silico analysis indicates that this missense variant does not alter protein structure/function; Has not been previously published as pathogenic or benign to our knowledge

Women's Health and Genetics/Laboratory Corporation of America, LabCorp
Classification: Uncertain significance. Last evaluated: 2019-05-30. Review status: criteria provided, single submitter. Criteria: LabCorp Variant Classification Summary - May 2015. Collection method: clinical testing. Allele origin: germline.
Comment: Variant summary: SRCAP c.3248C>G (p.Pro1083Arg) results in a non-conservative amino acid change in the encoded protein sequence. Three of five in-silico tools predict a benign effect of the variant on protein function. The variant was absent in 237098 control chromosomes (gnomAD). The available data on variant occurrences in the general population are insufficient to allow any conclusion about variant significance. To our knowledge, no occurrence of c.3248C>G in individuals affected with Floating-Harbor syndrome and no experimental evidence demonstrating its impact on protein function have been reported. No clinical diagnostic laboratories have submitted clinical-significance assessments for this variant to ClinVar after 2014. Based on the evidence outlined above, the variant was classified as uncertain significance.

NM_006662.3(SRCAP):c.3248C>G (p.Pro1083Arg)

Gene: SRCAP (Snf2 related CREBBP activator protein; plus strand). Cytogenetic location: 16p11.2.
Variant type: single nucleotide variant.
Coding change: c.3248C>G on transcript NM_006662.3 (MANE Select); coding-DNA position 3248, C replaced by G.
Protein change: p.Pro1083Arg; replaces proline 1083 with arginine.
Molecular consequence: missense variant.
Genome position (GRCh38, 1-based): chr16:30,720,973, C>G. VCF-style: chr16-30720973-C-G. GRCh37 (hg19) VCF-style: chr16-30732294-C-G.
Other names: short protein forms P1083R.
Identifiers: ClinVar variation 928647 (VCV000928647.2), dbSNP rs1288652197, ClinGen allele CA395613605.